The following is an entry in ClinVar:

ClinVar aggregate classification (germline): Likely benign (1 of 4 stars; one submission).

gnomAD v4.1: 275 of 1,614,030 alleles (0.017%); highest among the groups gnomAD compares: South Asian, 0.26%; 3 homozygotes.

Submission:

CeGaT Center for Human Genetics Tuebingen
Classification: Likely benign. Last evaluated: 2026-09-01. Review status: criteria provided, single submitter. Criteria: CeGaT Center For Human Genetics Tuebingen Variant Classification Criteria Version 2. Collection method: clinical testing. Allele origin: germline. Affected: yes. Observed: 1 variant allele.
Comment: MDFIC: BP4

NM_001166345.3(MDFIC):c.295G>A (p.Gly99Ser)

Gene: MDFIC (MyoD family inhibitor domain containing; plus strand). Cytogenetic location: 7q31.1.
Variant type: single nucleotide variant.
Coding change: c.295G>A on transcript NM_001166345.3 (MANE Select); coding-DNA position 295, G replaced by A.
Protein change: p.Gly99Ser; replaces glycine 99 with serine.
Molecular consequence: missense variant.
Genome position (GRCh38, 1-based): chr7:114,979,583, G>A. VCF-style: chr7-114979583-G-A. GRCh37 (hg19) VCF-style: chr7-114619638-G-A.
Other names: c.622G>A, p.Gly208Ser (NM_199072.5); short protein forms G208S, G99S.
Identifiers: ClinVar variation 5041139 (VCV005041139.1).